The following is an entry in ClinVar:

ClinVar aggregate classification (germline): Likely benign (1 of 4 stars; one submission).

gnomAD v4.1: 1 of 1,471,538 alleles (0.000068%); highest among the groups gnomAD compares: South Asian, 0.0011%; no homozygotes.

Submission:

Women's Health and Genetics/Laboratory Corporation of America, LabCorp
Classification: Likely benign. Last evaluated: 2026-03-25. Review status: criteria provided, single submitter. Criteria: LabCorp Variant Classification Summary - May 2015. Collection method: clinical testing. Allele origin: germline.
Comment: Variant summary: COL5A2 c.323-15C>A alters a nucleotide located at a position not widely known to affect splicing. Consensus agreement among computation tools predict no significant impact on normal splicing. However, these predictions have yet to be confirmed by functional studies. The variant was absent in 250262 control chromosomes. The available data on variant occurrences in the general population are insufficient to allow any conclusion about variant significance. To our knowledge, no occurrence of c.323-15C>A in individuals affected with COL5A2-related conditions and no experimental evidence demonstrating its impact on protein function have been reported. No submitters have cited clinical-significance assessments for this variant to ClinVar. Based on the evidence outlined above, the variant was classified as likely benign.

NM_000393.5(COL5A2):c.323-15C>A

Gene: COL5A2 (collagen type V alpha 2 chain; minus strand). Cytogenetic location: 2q32.2.
Variant type: single nucleotide variant.
Coding change: c.323-15C>A on transcript NM_000393.5 (MANE Select); 15 bases into the intron before coding-DNA position 323, C replaced by A.
Molecular consequence: intron variant.
Genome position (GRCh38, 1-based): chr2:189,104,292, G>T on the plus strand (C>A on the coding strand, the complement: COL5A2 is on the minus strand). VCF-style: chr2-189104292-G-T. GRCh37 (hg19) VCF-style: chr2-189969018-G-T.
Identifiers: ClinVar variation 4847687 (VCV004847687.1).